The following is an entry in ClinVar:

NM_032482.3(DOT1L):c.3195C>T (p.Ser1065=)

Gene: DOT1L (DOT1 like histone lysine methyltransferase; plus strand). Cytogenetic location: 19p13.3.
Variant type: single nucleotide variant.
Coding change: c.3195C>T on transcript NM_032482.3 (MANE Select); coding-DNA position 3195, C replaced by T.
Protein change: p.Ser1065=; no amino-acid change (serine 1065 retained).
Molecular consequence: synonymous variant.
Genome position (GRCh38, 1-based): chr19:2,222,364, C>T. VCF-style: chr19-2222364-C-T. GRCh37 (hg19) VCF-style: chr19-2222363-C-T.
Other names: c.3195C>T, p.Ser1065= (NM_001411141.1).
Identifiers: ClinVar variation 4821417 (VCV004821417.4).

ClinVar aggregate classification (germline): Likely benign (1 of 4 stars; one submission).

gnomAD v4.1: 12 of 1,612,176 alleles (0.00074%); highest among the groups gnomAD compares: African/African-American, 0.0013%; no homozygotes.

Submission:

CeGaT Center for Human Genetics Tuebingen
Classification: Likely benign. Last evaluated: 2026-03-01. Review status: criteria provided, single submitter. Criteria: CeGaT Center For Human Genetics Tuebingen Variant Classification Criteria Version 2. Collection method: clinical testing. Allele origin: germline. Affected: yes. Observed: 1 variant allele.
Comment: DOT1L: BP4, BP7